The following is an entry in ClinVar:

NM_021927.3(GUF1):c.662G>C (p.Cys221Ser)

Gene: GUF1 (GTP binding elongation factor GUF1; plus strand). Cytogenetic location: 4p12.
Variant type: single nucleotide variant.
Coding change: c.662G>C on transcript NM_021927.3 (MANE Select); coding-DNA position 662, G replaced by C.
Protein change: p.Cys221Ser; replaces cysteine 221 with serine.
Molecular consequence: missense variant. On other transcripts: 5 prime UTR variant (2).
Genome position (GRCh38, 1-based): chr4:44,683,311, G>C. VCF-style: chr4-44683311-G-C. GRCh37 (hg19) VCF-style: chr4-44685328-G-C.
Other names: c.-311G>C (NM_001345867.2, NM_001345869.2); c.662G>C, p.Cys221Ser (NM_001345868.2); short protein forms C221S.
Identifiers: ClinVar variation 785088 (VCV000785088.13), dbSNP rs114301959, ClinGen allele CA2905380.

ClinVar aggregate classification (germline): Likely benign. Review status: criteria provided, single submitter (1 of 4 stars). 2 submissions from 2 submitters: Likely benign (1). 1 of the submissions does not count toward it. Last evaluated 2026-01-15.

Conditions:
GUF1-related disorder. Also called: GUF1-related condition.

Allele frequency attached by ClinVar (database versions not stated): gnomAD exomes 0.00042; ExAC 0.00056; ESP Exome Variant Server 0.00154; gnomAD 0.00181 and 0.00190; 1000 Genomes Project 0.00260; 1000 Genomes Project 30x 0.00297.
gnomAD v4.1: 476 of 1,548,070 alleles (0.031%); highest among the groups gnomAD compares: African/African-American, 0.6%; no homozygotes.

Submissions (2):

Labcorp Genetics (formerly Invitae), Labcorp
Classification: Likely benign. Last evaluated: 2026-01-15. Review status: criteria provided, single submitter. Criteria: Invitae Variant Classification Sherloc (09022015). Collection method: clinical testing. Allele origin: germline.

PreventionGenetics, part of Exact Sciences
Classification: Likely benign for GUF1-related condition. Last evaluated: 2019-05-21. Review status: no assertion criteria provided. Collection method: clinical testing. Allele origin: germline. Not counted in ClinVar's aggregate classification.
Comment: This variant is classified as likely benign based on ACMG/AMP sequence variant interpretation guidelines (Richards et al. 2015 PMID: 25741868, with internal and published modifications).